The following is an entry in ClinVar:

ClinVar aggregate classification (germline): Uncertain significance (1 of 4 stars; one submission).

Conditions:
GPR143-related disorder. Also called: GPR143-related condition.

Submission:

3billion
Classification: Uncertain significance for GPR143-related disorder. Last evaluated: 2025-09-17. Review status: criteria provided, single submitter. Criteria: ACMG Guidelines, 2015. Collection method: clinical testing. Allele origin: germline. Affected: yes.
Comment: The variant is not observed in the gnomAD v4.1.0 dataset. Predicted Consequence/Location: Intron variant In silico tools predict the variant to alter splicing and produce an abnormal transcript [SpliceAI: 0.77 (>=0.2, moderate evidence for spliceogenicity)]. Therefore, this variant is classified as VUS according to the recommendation of ACMG/AMP guideline.

NM_000273.3(GPR143):c.455+3A>T

Gene: GPR143 (G protein-coupled receptor 143; minus strand). Cytogenetic location: Xp22.2.
Variant type: single nucleotide variant.
Coding change: c.455+3A>T on transcript NM_000273.3 (MANE Select); 3 bases into the intron after coding-DNA position 455, A replaced by T.
Molecular consequence: intron variant.
Genome position (GRCh38, 1-based): chrX:9,759,329, T>A on the plus strand (A>T on the coding strand, the complement: GPR143 is on the minus strand). VCF-style: chrX-9759329-T-A. GRCh37 (hg19) VCF-style: chrX-9727369-T-A.
Other names: c.455+3A>T (NM_001440781.1).
Identifiers: ClinVar variation 4854641 (VCV004854641.1).